The following is an entry in ClinVar:

NM_000500.9(CYP21A2):c.770T>A (p.Met257Lys)

Genes: CYP21A2 (cytochrome P450 family 21 subfamily A member 2; plus strand), LOC106780800 (CYP21A2 recombination region; plus strand). Cytogenetic location: 6p21.33.
Variant type: single nucleotide variant.
Coding change: c.770T>A on transcript NM_000500.9 (MANE Select); coding-DNA position 770, T replaced by A.
Protein change: p.Met257Lys; replaces methionine 257 with lysine.
Molecular consequence: missense variant.
Genome position (GRCh38, 1-based): chr6:32,040,036, T>A. VCF-style: chr6-32040036-T-A. GRCh37 (hg19) VCF-style: chr6-32007813-T-A.
Other names: c.680T>A, p.Met227Lys (NM_001128590.4); c.365T>A, p.Met122Lys (NM_001368143.2, NM_001368144.2); short protein forms M227K, M122K, M257K.
Identifiers: ClinVar variation 4996869 (VCV004996869.1).

ClinVar aggregate classification (germline): Uncertain significance (1 of 4 stars; one submission).

Conditions:
CYP21A2-related disorder. Also called: CYP21A2-related condition.

Submission:

PreventionGenetics, part of Exact Sciences
Classification: Uncertain significance for CYP21A2-related condition. Last evaluated: 2024-11-02. Review status: criteria provided, single submitter. Criteria: ACMG Guidelines, 2015. Collection method: clinical testing. Allele origin: germline.
Comment: The CYP21A2 c.770T>A variant is predicted to result in the amino acid substitution p.Met257Lys. To our knowledge, this variant has not been reported in the literature or in a large population database (gnomAD), indicating this variant is rare. This variant falls within a highly paralogous region. Allele frequency data should be interpreted with caution. Of note, a different substitution at the same codon, defined as c.770T>C (p.Met257Thr), was reported in an individual with autosomal dominant congenital posterior polar cataracts, but the clinical significance was unknown (Berry et al. 2022. PubMed ID: 34748434). At this time, the clinical significance of the c.770T>A (p.Met257Lys) variant is uncertain due to the absence of conclusive functional and genetic evidence.